The following is an entry in ClinVar:

NM_004972.4(JAK2):c.3177G>A (p.Ala1059=)

Genes: INSL6 (insulin like 6; minus strand), JAK2 (Janus kinase 2; plus strand). Cytogenetic location: 9p24.1.
Variant type: single nucleotide variant.
Coding change: c.3177G>A on transcript NM_004972.4 (MANE Select); coding-DNA position 3177, G replaced by A.
Protein change: p.Ala1059=; no amino-acid change (alanine 1059 retained).
Molecular consequence: synonymous variant. On other transcripts: non-coding transcript variant (2).
Genome position (GRCh38, 1-based): chr9:5,123,121, G>A. VCF-style: chr9-5123121-G-A. GRCh37 (hg19) VCF-style: chr9-5123121-G-A.
Other names: c.3177G>A, p.Ala1059= (NM_001322194.2, NM_001322195.2, NM_001322196.2); c.1962G>A, p.Ala654= (NM_001322198.2, NM_001322199.2); c.2730G>A, p.Ala910= (NM_001322204.2).
Identifiers: ClinVar variation 2058254 (VCV002058254.11), dbSNP rs374744702, ClinGen allele CA4972366.

ClinVar aggregate classification (germline): Uncertain significance. Review status: criteria provided, multiple submitters, no conflicts (2 of 4 stars). 5 submissions from 5 submitters: Uncertain significance (4). 1 of the submissions does not count toward it. Last evaluated 2025-10-08.

Conditions:
JAK2-related disorder. Also called: JAK2-related condition.

Allele frequency attached by ClinVar (database versions not stated): ExAC 0.00006; gnomAD 0.00006 and 0.00007; gnomAD exomes 0.00006; TOPMed 0.00009 and 0.00010.
gnomAD v4.1: 74 of 1,561,992 alleles (0.0047%); highest among the groups gnomAD compares: Middle Eastern, 0.14%; no homozygotes.

Submissions (6):

Labcorp Genetics (formerly Invitae), Labcorp
Classification: Uncertain significance. Last evaluated: 2025-10-08. Review status: criteria provided, single submitter. Criteria: Invitae Variant Classification Sherloc (09022015). Collection method: clinical testing. Allele origin: germline.
Comment: This sequence change affects codon 1059 of the JAK2 mRNA. It is a 'silent' change, meaning that it does not change the encoded amino acid sequence of the JAK2 protein. It affects a nucleotide within the consensus splice site. This variant is present in population databases (rs374744702, gnomAD 0.03%). This variant has not been reported in the literature in individuals affected with JAK2-related conditions. ClinVar contains an entry for this variant (Variation ID: 2058254). Algorithms developed to predict the effect of sequence changes on RNA splicing suggest that this variant may disrupt the consensus splice site. In summary, the available evidence is currently insufficient to determine the role of this variant in disease. Therefore, it has been classified as a Variant of Uncertain Significance.

Clinical Genetics Laboratory, Skane University Hospital Lund
Classification: Uncertain significance. Last evaluated: 2024-02-15. Review status: criteria provided, single submitter. Criteria: ACMG Guidelines, 2015. Collection method: clinical testing. Allele origin: germline. Affected: yes.

Women's Health and Genetics/Laboratory Corporation of America, LabCorp
Classification: Uncertain significance. Last evaluated: 2024-02-08. Review status: criteria provided, single submitter. Criteria: LabCorp Variant Classification Summary - May 2015. Collection method: clinical testing. Allele origin: germline.
Comment: Variant summary: JAK2 c.3177G>A (p.Ala1059Ala) alters a conserved nucleotide located close to a canonical splice site and therefore could affect mRNA splicing, leading to a significantly altered protein sequence. Several computational tools predict a significant impact on normal splicing: Four predict the variant abolishes a 5' splicing donor site. However, these predictions have yet to be confirmed by functional studies. The variant allele was found at a frequency of 6e-05 in 234050 control chromosomes. To our knowledge, no occurrence of c.3177G>A in individuals affected with JAK2-Related Disorders and no experimental evidence demonstrating its impact on protein function have been reported. ClinVar contains an entry for this variant (Variation ID: 2058254). Based on the evidence outlined above, the variant was classified as uncertain significance.

GeneDx
Classification: Uncertain significance. Last evaluated: 2023-08-27. Review status: criteria provided, single submitter. Criteria: GeneDx Variant Classification Process June 2021. Collection method: clinical testing. Allele origin: germline. Affected: yes.
Comment: In silico analysis supports a deleterious effect on splicing; Has not been previously published as pathogenic or benign to our knowledge

PreventionGenetics, part of Exact Sciences
Classification: Likely benign for JAK2-related condition. Last evaluated: 2023-12-26. Review status: no assertion criteria provided. Collection method: clinical testing. Allele origin: germline. Not counted in ClinVar's aggregate classification.
Comment: This variant is classified as likely benign based on ACMG/AMP sequence variant interpretation guidelines (Richards et al. 2015 PMID: 25741868, with internal and published modifications).

Dr. Peter K. Rogan Lab, Western University
No classification provided (evidence only). Condition: Lung cancer. Review status: no classification provided. Collection method: in vitro. Allele origin: not applicable. Functional consequence: retained intron. Not counted in ClinVar's aggregate classification.